The following is an entry in ClinVar:

ClinVar aggregate classification (germline): Pathogenic/Likely pathogenic. Review status: criteria provided, multiple submitters, no conflicts (2 of 4 stars). 3 submissions from 3 submitters: Pathogenic (2); Likely pathogenic (1). Last evaluated 2024-05-14.

Conditions:
Hermansky-Pudlak syndrome 3 (HPS3). Identifiers: Orphanet 231512, Orphanet 79430, MedGen C3888001, MONDO:0013555, OMIM 614072.

Submissions (3):

Myriad Genetics, Inc.
Classification: Pathogenic for Hermansky-Pudlak syndrome 3. Last evaluated: 2024-05-14. Review status: criteria provided, single submitter. Criteria: Myriad Autosomal Dominant, Autosomal Recessive and X-Linked Classification Criteria (2023). Collection method: clinical testing. Allele origin: unknown.
Comment: NM_032383.3(HPS3):c.2471C>A(S824*) is expected to be pathogenic in the context of Hermansky-Pudlak syndrome, HPS3-related. This variant is predicted to lead to an abnormal or absent protein product due to the creation of a premature termination codon in HPS3, a gene where loss-of-function variants are known to be pathogenic. Please note: this variant was assessed in the context of healthy population screening.

Baylor Genetics
Classification: Likely pathogenic for Hermansky-Pudlak syndrome 3. Last evaluated: 2023-06-23. Review status: criteria provided, single submitter. Criteria: ACMG Guidelines, 2015. Collection method: clinical testing. Allele origin: unknown.

Labcorp Genetics (formerly Invitae), Labcorp
Classification: Pathogenic. Last evaluated: 2019-09-28. Review status: criteria provided, single submitter. Criteria: Invitae Variant Classification Sherloc (09022015). Collection method: clinical testing. Allele origin: germline.
Comment: This variant is not present in population databases (ExAC no frequency). For these reasons, this variant has been classified as Pathogenic. Loss-of-function variants in HPS3 are known to be pathogenic (PMID: 11590544). Algorithms developed to predict the effect of sequence changes on RNA splicing suggest that this variant may create or strengthen a splice site, but this prediction has not been confirmed by published transcriptional studies. This variant has not been reported in the literature in individuals with HPS3-related conditions. This sequence change creates a premature translational stop signal (p.Ser824*) in the HPS3 gene. It is expected to result in an absent or disrupted protein product.

Literature cited by the submitters: PubMed 11590544 (cited by Labcorp Genetics (formerly Invitae), Labcorp).

NM_032383.5(HPS3):c.2471C>A (p.Ser824Ter)

Genes: CP (ceruloplasmin; minus strand), HPS3 (HPS3 biogenesis of lysosomal organelles complex 2 subunit 1; plus strand). Cytogenetic location: 3q24.
Variant type: single nucleotide variant.
Coding change: c.2471C>A on transcript NM_032383.5 (MANE Select); coding-DNA position 2471, C replaced by A.
Protein change: p.Ser824Ter; replaces serine 824 with a stop codon.
Molecular consequence: nonsense. On other transcripts: non-coding transcript variant (1).
Genome position (GRCh38, 1-based): chr3:149,162,868, C>A. VCF-style: chr3-149162868-C-A. GRCh37 (hg19) VCF-style: chr3-148880655-C-A.
Other names: c.1976C>A, p.Ser659Ter (NM_001308258.2); short protein forms S659*, S824*.
Identifiers: ClinVar variation 971795 (VCV000971795.9), dbSNP rs373037058, ClinGen allele CA354924634.